The following is an entry in ClinVar:

ClinVar aggregate classification (germline): Conflicting classifications of pathogenicity. Review status: criteria provided, conflicting classifications (1 of 4 stars). 5 submissions from 5 submitters: Uncertain significance (4); Likely benign (1). Last evaluated 2026-01-18.

Conditions:
UGT1A1-related disorder. Also called: UGT1A1-related condition; UGT1A1-related disorders.
Lucey-Driscoll syndrome (HBLRTFN). Also called: Transient familial neonatal hyperbilirubinemia. Identifiers: Orphanet 2312, MedGen C0270210, MONDO:0009383, OMIM 237900.
Gilbert syndrome. Also called: Gilbert Disease; HYPERBILIRUBINEMIA I; HYPERBILIRUBINEMIA, ARIAS TYPE; Gilbert's syndrome; HYPERBILIRUBINEMIA, GILBERT TYPE. Identifiers: MedGen C0017551, MONDO:0007745, OMIM 143500.
Crigler-Najjar syndrome type 1. Also called: HYPERBILIRUBINEMIA, CRIGLER-NAJJAR TYPE I. Identifiers: Orphanet 79234, MedGen C0010324, MONDO:0021020, OMIM 218800.
BILIRUBIN, SERUM LEVEL OF, QUANTITATIVE TRAIT LOCUS 1 (BILIQTL1). Identifiers: MedGen C1866173, OMIM 601816.
Crigler-Najjar syndrome, type II. Also called: Crigler Najjar syndrome, type 2; Mutation in the UDP-glucuronosyl-transferase gene; HYPERBILIRUBINEMIA, CRIGLER-NAJJAR TYPE II. Identifiers: Orphanet 205, Orphanet 79235, MedGen C2931132, MONDO:0011725, OMIM 606785.

Allele frequency attached by ClinVar (database versions not stated): gnomAD 0.00018 and 0.00024; gnomAD exomes 0.00023 and 0.00046; TOPMed 0.00028; ExAC 0.00040; 1000 Genomes Project 0.00140; 1000 Genomes Project 30x 0.00141.
gnomAD v4.1: 377 of 1,614,206 alleles (0.023%); highest among the groups gnomAD compares: East Asian, 0.31%; no homozygotes.

Submissions (5):

Labcorp Genetics (formerly Invitae), Labcorp
Classification: Likely benign. Last evaluated: 2026-01-18. Review status: criteria provided, single submitter. Criteria: Invitae Variant Classification Sherloc (09022015). Collection method: clinical testing. Allele origin: germline.

PreventionGenetics, part of Exact Sciences
Classification: Uncertain significance for UGT1A1-related condition. Last evaluated: 2025-07-01. Review status: criteria provided, single submitter. Criteria: ACMG Guidelines, 2015. Collection method: clinical testing. Allele origin: germline.
Comment: The UGT1A1 c.1352C>T variant is predicted to result in the amino acid substitution p.Pro451Leu. This variant has been reported in a patient with hereditary spherocytosis (Patient 19, Table S6, Choi et al. 2019. PubMed ID: 31122244), in combination with a second UGT1A1 variant and another variant in the ANK1 gene. It has also been reported in an infant with biliary atresia (Laochareonsuk et al. 2022. PubMed ID: 36350824) and an infant with severe hyperbilirubinemia (Yang et al. 2016. PubMed ID: 26727668). However, this variant is reported in 0.53% of alleles in individuals of East Asian descent in gnomAD, which may be too frequent to be a primary cause of disease. Although we suspect that this variant may be benign, at this time, the clinical significance of this variant is uncertain due to the absence of conclusive functional and genetic evidence.

Fulgent Genetics
Classification: Uncertain significance for Gilbert syndrome; Crigler-Najjar syndrome type 1; Lucey-Driscoll syndrome; BILIRUBIN, SERUM LEVEL OF, QUANTITATIVE TRAIT LOCUS 1; Crigler-Najjar syndrome, type II. Last evaluated: 2022-05-06. Review status: criteria provided, single submitter. Criteria: ACMG Guidelines, 2015. Collection method: clinical testing. Allele origin: unknown.

Mayo Clinic Laboratories, Mayo Clinic
Classification: Uncertain significance. Last evaluated: 2021-07-14. Review status: criteria provided, single submitter. Criteria: ACMG Guidelines, 2015. Collection method: clinical testing. Allele origin: germline.

Eurofins Ntd Llc (ga)
Classification: Uncertain significance. Last evaluated: 2018-08-27. Review status: criteria provided, single submitter. Criteria: EGL ClinVar v180209 classification definitions. Collection method: clinical testing. Allele origin: germline. Observed: 2 variant alleles, 2 heterozygotes.

Literature cited by the submitters: PubMed 19325249 (cited by Eurofins Ntd Llc (ga)); PubMed 25200497 (cited by Eurofins Ntd Llc (ga)); PubMed 26727668 (cited by Eurofins Ntd Llc (ga)).

NM_000463.3(UGT1A1):c.1352C>T (p.Pro451Leu)

Genes: UGT1A7 (UDP glucuronosyltransferase family 1 member A7; plus strand), UGT1A8 (UDP glucuronosyltransferase family 1 member A8; plus strand), UGT1A9 (UDP glucuronosyltransferase family 1 member A9; plus strand), UGT1A3 (UDP glucuronosyltransferase family 1 member A3; plus strand), UGT1A4 (UDP glucuronosyltransferase family 1 member A4; plus strand) and 5 more. Cytogenetic location: 2q37.1.
Variant type: single nucleotide variant.
Coding change: c.1352C>T on transcript NM_000463.3 (MANE Select); coding-DNA position 1352, C replaced by T.
Protein change: p.Pro451Leu; replaces proline 451 with leucine.
Molecular consequence: missense variant.
Genome position (GRCh38, 1-based): chr2:233,772,309, C>T. VCF-style: chr2-233772309-C-T. GRCh37 (hg19) VCF-style: chr2-234680955-C-T.
Other names: c.1343C>T, p.Pro448Leu (NM_019075.4, NM_019076.5, NM_019077.3 and 1 more transcripts); c.1349C>T, p.Pro450Leu (NM_001072.4); c.548C>T, p.Pro183Leu (NM_205862.3); c.1355C>T, p.Pro452Leu (NM_019078.2, NM_007120.3, NM_019093.4); short protein forms P183L, P448L, P450L, P451L, P452L.
Identifiers: ClinVar variation 197672 (VCV000197672.23), dbSNP rs114982090, ClinGen allele CA245929.
Genomic context (GRCh38, chr2:233,772,309, plus strand): 5'-TCTTTGTGTTTAGTTACAAGGAGAACATCATGCGCCTCTCCAGCCTTCACAAGGACCGCC[C>T]GGTGGAGCCGCTGGACCTGGCCGTGTTCTGGGTGGAGTTTGTGATGAGGCACAAGGGCGC-3'
Protein context (NP_000454.1, residues 441-461): MRLSSLHKDR[Pro451Leu]VEPLDLAVFW